The following is an entry in ClinVar:

ClinVar aggregate classification (germline): Benign. Review status: criteria provided, multiple submitters, no conflicts (2 of 4 stars). 3 submissions from 3 submitters: Benign (2). 1 of the submissions does not count toward it. Last evaluated 2019-12-31.

Conditions:
MUC16-related disorder. Also called: MUC16-related condition.

Allele frequency attached by ClinVar (database versions not stated): TOPMed 0.01475; gnomAD exomes 0.00115 and 0.00314; ExAC 0.00393; gnomAD 0.01414 and 0.01331; 1000 Genomes Project 0.01558; ESP Exome Variant Server 0.01387.

Submissions (3):

Labcorp Genetics (formerly Invitae), Labcorp
Classification: Benign. Last evaluated: 2019-12-31. Review status: criteria provided, single submitter. Criteria: Invitae Variant Classification Sherloc (09022015). Collection method: clinical testing. Allele origin: germline.

Breakthrough Genomics
Classification: Benign. Review status: criteria provided, single submitter. Criteria: ACMG Guidelines, 2015. Collection method: not provided. Allele origin: germline. Inheritance: Unknown mechanism. Affected: yes.

PreventionGenetics, part of Exact Sciences
Classification: Benign for MUC16-related condition. Last evaluated: 2019-06-06. Review status: no assertion criteria provided. Collection method: clinical testing. Allele origin: germline. Not counted in ClinVar's aggregate classification.
Comment: This variant is classified as benign based on ACMG/AMP sequence variant interpretation guidelines (Richards et al. 2015 PMID: 25741868, with internal and published modifications).

NM_001401501.2(MUC16):c.1970C>T (p.Thr657Ile)

Gene: MUC16 (mucin 16, cell surface associated; minus strand). Cytogenetic location: 19p13.2.
Variant type: single nucleotide variant.
Coding change: c.1970C>T on transcript NM_001401501.2 (MANE Select); coding-DNA position 1970, C replaced by T.
Protein change: p.Thr657Ile; replaces threonine 657 with isoleucine.
Molecular consequence: missense variant.
Genome position (GRCh38, 1-based): chr19:8,979,289, G>A on the plus strand (C>T on the coding strand, the complement: MUC16 is on the minus strand). VCF-style: chr19-8979289-G-A. GRCh37 (hg19) VCF-style: chr19-9089965-G-A.
Other names: c.2396C>T, p.Thr799Ile (NM_001414686.1); c.1850C>T, p.Thr617Ile (NM_001414687.1, NM_024690.2); short protein forms T617I, T657I, T799I.
Identifiers: ClinVar variation 780530 (VCV000780530.7), dbSNP rs116765650, ClinGen allele CA9173311.